The following is an entry in ClinVar:

NM_000553.6(WRN):c.2685G>A (p.Met895Ile)

Gene: WRN (WRN RecQ like helicase; plus strand). Cytogenetic location: 8p12.
Variant type: single nucleotide variant.
Coding change: c.2685G>A on transcript NM_000553.6 (MANE Select); coding-DNA position 2685, G replaced by A.
Protein change: p.Met895Ile; replaces methionine 895 with isoleucine.
Molecular consequence: missense variant.
Genome position (GRCh38, 1-based): chr8:31,124,576, G>A. VCF-style: chr8-31124576-G-A. GRCh37 (hg19) VCF-style: chr8-30982092-G-A.
Other names: short protein forms M895I.
Identifiers: ClinVar variation 2842035 (VCV002842035.3), dbSNP rs1801846868, ClinGen allele CA370916848.

ClinVar aggregate classification (germline): Uncertain significance (1 of 4 stars; one submission).

Conditions:
Werner syndrome (WRN). Identifiers: Orphanet 902, MedGen C0043119, MONDO:0010196, OMIM 277700.

Allele frequency attached by ClinVar (database versions not stated): TOPMed below 0.00001.

Submission:

Labcorp Genetics (formerly Invitae), Labcorp
Classification: Uncertain significance for Werner syndrome. Last evaluated: 2024-04-02. Review status: criteria provided, single submitter. Criteria: Invitae Variant Classification Sherloc (09022015). Collection method: clinical testing. Allele origin: germline.
Comment: This sequence change replaces methionine, which is neutral and non-polar, with isoleucine, which is neutral and non-polar, at codon 895 of the WRN protein (p.Met895Ile). This variant is not present in population databases (gnomAD no frequency). This variant has not been reported in the literature in individuals affected with WRN-related conditions. An algorithm developed to predict the effect of missense changes on protein structure and function (PolyPhen-2) suggests that this variant is likely to be disruptive. In summary, the available evidence is currently insufficient to determine the role of this variant in disease. Therefore, it has been classified as a Variant of Uncertain Significance.